The following is an entry in ClinVar:

NM_000551.4(VHL):c.94G>C (p.Glu32Gln)

Gene: VHL (von Hippel-Lindau tumor suppressor; plus strand). Cytogenetic location: 3p25.3.
Variant type: single nucleotide variant.
Coding change: c.94G>C on transcript NM_000551.4 (MANE Select); coding-DNA position 94, G replaced by C.
Protein change: p.Glu32Gln; replaces glutamic acid 32 with glutamine.
Molecular consequence: missense variant. On other transcripts: non-coding transcript variant (1).
Genome position (GRCh38, 1-based): chr3:10,141,941, G>C. VCF-style: chr3-10141941-G-C. GRCh37 (hg19) VCF-style: chr3-10183625-G-C.
Other names: c.94G>C, p.Glu32Gln (NM_001354723.2, NM_198156.3); short protein forms E32Q.
Identifiers: ClinVar variation 3814959 (VCV003814959.1).

ClinVar aggregate classification (germline): Uncertain significance (1 of 4 stars; one submission).

Conditions:
Hereditary cancer-predisposing syndrome. Also called: Hereditary neoplastic syndrome; Neoplastic Syndromes, Hereditary; Tumor predisposition; Hereditary Cancer Syndrome. Identifiers: Orphanet 140162, MedGen C0027672, MeSH D009386, MONDO:0015356.

gnomAD v4.1: 2 of 1,541,638 alleles (0.00013%); highest among the groups gnomAD compares: South Asian, 0.0024%; no homozygotes.

Submission:

Ambry Genetics
Classification: Uncertain significance for Hereditary cancer-predisposing syndrome. Last evaluated: 2025-01-20. Review status: criteria provided, single submitter. Criteria: Ambry Variant Classification Scheme 2023. Collection method: clinical testing. Allele origin: germline.
Comment: The p.E32Q variant (also known as c.94G>C), located in coding exon 1 of the VHL gene, results from a G to C substitution at nucleotide position 94. The glutamic acid at codon 32 is replaced by glutamine, an amino acid with highly similar properties. This amino acid position is well conserved in available vertebrate species. In addition, this alteration is predicted to be tolerated by in silico analysis. Based on the available evidence, the clinical significance of this variant remains unclear.